The following is an entry in ClinVar:

NM_000083.3(CLCN1):c.2136TGAGGA[3] (p.713ED[4])

Gene: CLCN1 (chloride voltage-gated channel 1; plus strand). Cytogenetic location: 7q34.
Variant type: Microsatellite.
Coding change: c.2136TGAGGA[3] on transcript NM_000083.3 (MANE Select); three copies in a row of the 6-base unit TGAGGA starting at c.2136; the reference has two copies in a row; one copy, 6 bases duplicated.
Protein change: p.713ED[4].
Molecular consequence: inframe insertion. On other transcripts: non-coding transcript variant (1).
Genome position (GRCh38, 1-based): chr7:143,345,732-143,345,737, TGAGGA duplicated; duplicating any 6 consecutive bases within chr7:143,345,723-143,345,737 gives the same sequence; the position shown is the placement nearest the transcript's 3' end. VCF-style (leftmost placement, unchanged base first): chr7-143345722-T-TGGATGA. GRCh37 (hg19) VCF-style: chr7-143042815-T-TGGATGA.
Identifiers: ClinVar variation 567131 (VCV000567131.10), dbSNP rs776429032, ClinGen allele CA4537550.

ClinVar aggregate classification (germline): Uncertain significance (1 of 4 stars; one submission).

Conditions:
Congenital myotonia, autosomal recessive form. Also called: Becker Generalized Myotonia; BECKER DISEASE; myotonia congenita, autosomal recessive. Identifiers: Orphanet 614, MedGen C0751360, MONDO:0009715, OMIM 255700.
Congenital myotonia, autosomal dominant form (THD). Also called: THOMSEN DISEASE; Myotonia congenita autosomal dominant. Identifiers: Orphanet 614, MedGen C2936781, MONDO:0008055, OMIM 160800.

Submission:

Labcorp Genetics (formerly Invitae), Labcorp
Classification: Uncertain significance for Congenital myotonia, autosomal recessive form; Congenital myotonia, autosomal dominant form. Last evaluated: 2023-10-11. Review status: criteria provided, single submitter. Criteria: Invitae Variant Classification Sherloc (09022015). Collection method: clinical testing. Allele origin: germline.
Comment: This variant, c.2142_2147dup, results in the insertion of 2 amino acid(s) of the CLCN1 protein (p.Glu717_Asp718dup), but otherwise preserves the integrity of the reading frame. This variant is present in population databases (rs776429032, gnomAD 0.004%). This variant has not been reported in the literature in individuals affected with CLCN1-related conditions. Experimental studies and prediction algorithms are not available or were not evaluated, and the functional significance of this variant is currently unknown. In summary, the available evidence is currently insufficient to determine the role of this variant in disease. Therefore, it has been classified as a Variant of Uncertain Significance.